The following is an entry in ClinVar:

NM_018127.7(ELAC2):c.949A>G (p.Ile317Val)

Gene: ELAC2 (elaC ribonuclease Z 2; minus strand). Cytogenetic location: 17p12.
Variant type: single nucleotide variant.
Coding change: c.949A>G on transcript NM_018127.7 (MANE Select); coding-DNA position 949, A replaced by G.
Protein change: p.Ile317Val; replaces isoleucine 317 with valine.
Molecular consequence: missense variant.
Genome position (GRCh38, 1-based): chr17:13,005,023, T>C on the plus strand (A>G on the coding strand, the complement: ELAC2 is on the minus strand). VCF-style: chr17-13005023-T-C. GRCh37 (hg19) VCF-style: chr17-12908340-T-C.
Other names: c.829A>G, p.Ile277Val (NM_001165962.2); c.949A>G, p.Ile317Val (NM_173717.2); short protein forms I317V, I277V.
Identifiers: ClinVar variation 970415 (VCV000970415.7), dbSNP rs2041026993, ClinGen allele CA398226246.

ClinVar aggregate classification (germline): Uncertain significance (1 of 4 stars; one submission).

Conditions:
Combined oxidative phosphorylation defect type 17. Also called: Combined oxidative phosphorylation deficiency 17. Identifiers: Orphanet 369913, MedGen C3809526, MONDO:0014190, OMIM 615440.

Submission:

Labcorp Genetics (formerly Invitae), Labcorp
Classification: Uncertain significance for Combined oxidative phosphorylation defect type 17. Last evaluated: 2022-02-01. Review status: criteria provided, single submitter. Criteria: Invitae Variant Classification Sherloc (09022015). Collection method: clinical testing. Allele origin: germline.
Comment: In summary, the available evidence is currently insufficient to determine the role of this variant in disease. Therefore, it has been classified as a Variant of Uncertain Significance. Algorithms developed to predict the effect of missense changes on protein structure and function output the following: SIFT: "Tolerated"; PolyPhen-2: "Benign"; Align-GVGD: "Class C0". The valine amino acid residue is found in multiple mammalian species, which suggests that this missense change does not adversely affect protein function. ClinVar contains an entry for this variant (Variation ID: 970415). This variant has not been reported in the literature in individuals affected with ELAC2-related conditions. This variant is not present in population databases (gnomAD no frequency). This sequence change replaces isoleucine, which is neutral and non-polar, with valine, which is neutral and non-polar, at codon 317 of the ELAC2 protein (p.Ile317Val).